The following is an entry in ClinVar:

NM_000090.4(COL3A1):c.3451G>A (p.Asp1151Asn)

Gene: COL3A1 (collagen type III alpha 1 chain; plus strand). Cytogenetic location: 2q32.2.
Variant type: single nucleotide variant.
Coding change: c.3451G>A on transcript NM_000090.4 (MANE Select); coding-DNA position 3451, G replaced by A.
Protein change: p.Asp1151Asn; replaces aspartic acid 1151 with asparagine.
Molecular consequence: missense variant.
Genome position (GRCh38, 1-based): chr2:189,008,068, G>A. VCF-style: chr2-189008068-G-A. GRCh37 (hg19) VCF-style: chr2-189872794-G-A.
Other names: short protein forms D1151N.
Identifiers: ClinVar variation 1042152 (VCV001042152.9), dbSNP rs1688635701, ClinGen allele CA349846426.

ClinVar aggregate classification (germline): Uncertain significance (1 of 4 stars; one submission).

Conditions:
Ehlers-Danlos syndrome, type 4 (EDSVASC). Also called: Ehlers-Danlos syndrome vascular type; Ehlers Danlos syndrome, ecchymotic type; Ehlers Danlos syndrome, arterial type; Ehlers Danlos syndrome, Sack-Barabas type; Ehlers-Danlos Syndrome Type IV. Identifiers: Orphanet 286, MedGen C0268338, MONDO:0017314, OMIM 130050.

Submission:

Labcorp Genetics (formerly Invitae), Labcorp
Classification: Uncertain significance for Ehlers-Danlos syndrome, type 4. Last evaluated: 2020-08-26. Review status: criteria provided, single submitter. Criteria: Invitae Variant Classification Sherloc (09022015). Collection method: clinical testing. Allele origin: germline.
Comment: This sequence change replaces aspartic acid with asparagine at codon 1151 of the COL3A1 protein (p.Asp1151Asn). The aspartic acid residue is highly conserved and there is a small physicochemical difference between aspartic acid and asparagine. This variant is not present in population databases (ExAC no frequency). This variant has not been reported in the literature in individuals with COL3A1-related conditions. Advanced modeling of protein sequence and biophysical properties (such as structural, functional, and spatial information, amino acid conservation, physicochemical variation, residue mobility, and thermodynamic stability) performed at Invitae indicates that this missense variant is not expected to disrupt COL3A1 protein function. In summary, the available evidence is currently insufficient to determine the role of this variant in disease. Therefore, it has been classified as a Variant of Uncertain Significance.